The following is an entry in ClinVar:

ClinVar aggregate classification (germline): not provided (0 of 4 stars; one submission).

Conditions:
Familial long QT syndrome (RWS). Also called: Congenital long QT syndrome; Romano-Ward syndrome; VENTRICULAR FIBRILLATION WITH PROLONGED QT INTERVAL. Identifiers: Orphanet 768, MedGen C1141890, MONDO:0019171.

Submission:

Cardiovascular Biomedical Research Unit, Royal Brompton & Harefield NHS Foundation Trust
No classification provided. Condition: Familial long QT syndrome. Review status: no classification provided. Collection method: literature only. Allele origin: germline.
Comment: This variant has been reported as associated with Long QT syndrome in the following publications (PMID:15276028). This is a literature report, and does not necessarily reflect the clinical interpretation of the Imperial College / Royal Brompton Cardiovascular Genetics laboratory.

Literature cited by the submitters: PubMed 15276028; PubMed 22581653.

NM_000891.3(KCNJ2):c.223A>G (p.Thr75Ala)

Gene: KCNJ2 (potassium inwardly rectifying channel subfamily J member 2; plus strand). Cytogenetic location: 17q24.3.
Variant type: single nucleotide variant.
Coding change: c.223A>G on transcript NM_000891.3 (MANE Select); coding-DNA position 223, A replaced by G.
Protein change: p.Thr75Ala; replaces threonine 75 with alanine.
Molecular consequence: missense variant.
Genome position (GRCh38, 1-based): chr17:70,175,262, A>G. VCF-style: chr17-70175262-A-G. GRCh37 (hg19) VCF-style: chr17-68171403-A-G.
Other names: c.223A>G (LRG_328t1); short protein forms T75A.
Identifiers: ClinVar variation 67564 (VCV000067564.1), dbSNP rs199473370, ClinGen allele CA329648.
Genomic context (GRCh38, chr17:70,175,262, plus strand): 5'-AATGTTCAGTTCATCAATGTGGGTGAGAAGGGGCAACGGTACCTCGCAGACATCTTCACC[A>G]CGTGTGTGGACATTCGCTGGCGGTGGATGCTGGTTATCTTCTGCCTGGCTTTCGTCCTGT-3'
Protein context (NP_000882.1, residues 65-85): GQRYLADIFT[Thr75Ala]CVDIRWRWML